The following is an entry in ClinVar:

ClinVar aggregate classification (germline): Uncertain significance. Review status: criteria provided, multiple submitters, no conflicts (2 of 4 stars). 2 submissions from 2 submitters: Uncertain significance (2). Last evaluated 2025-02-26.

Conditions:
Hereditary cancer-predisposing syndrome. Also called: Neoplastic Syndromes, Hereditary; Tumor predisposition; Hereditary Cancer Syndrome; Hereditary neoplastic syndrome. Identifiers: Orphanet 140162, MedGen C0027672, MeSH D009386, MONDO:0015356.

Submissions (2):

Labcorp Genetics (formerly Invitae), Labcorp
Classification: Uncertain significance. Last evaluated: 2025-02-26. Review status: criteria provided, single submitter. Criteria: Invitae Variant Classification Sherloc (09022015). Collection method: clinical testing. Allele origin: germline.
Comment: This sequence change replaces glutamic acid, which is acidic and polar, with glutamine, which is neutral and polar, at codon 35 of the NTHL1 protein (p.Glu35Gln). This variant is not present in population databases (gnomAD no frequency). This variant has not been reported in the literature in individuals affected with NTHL1-related conditions. ClinVar contains an entry for this variant (Variation ID: 1001053). An algorithm developed to predict the effect of missense changes on protein structure and function (PolyPhen-2) suggests that this variant is likely to be tolerated. In summary, the available evidence is currently insufficient to determine the role of this variant in disease. Therefore, it has been classified as a Variant of Uncertain Significance.

Ambry Genetics
Classification: Uncertain significance for Hereditary cancer-predisposing syndrome. Last evaluated: 2023-08-29. Review status: criteria provided, single submitter. Criteria: Ambry Variant Classification Scheme 2023. Collection method: clinical testing. Allele origin: germline.
Comment: The p.E35Q variant (also known as c.103G>C), located in coding exon 1 of the NTHL1 gene, results from a G to C substitution at nucleotide position 103. The glutamic acid at codon 35 is replaced by glutamine, an amino acid with highly similar properties. This amino acid position is conserved. In addition, this alteration is predicted to be tolerated by in silico analysis. Since supporting evidence is limited at this time, the clinical significance of this alteration remains unclear.

NM_002528.7(NTHL1):c.79G>C (p.Glu27Gln)

Gene: NTHL1 (nth like DNA glycosylase 1; minus strand). Cytogenetic location: 16p13.3.
Variant type: single nucleotide variant.
Coding change: c.79G>C on transcript NM_002528.7 (MANE Select); coding-DNA position 79, G replaced by C.
Protein change: p.Glu27Gln; replaces glutamic acid 27 with glutamine.
Molecular consequence: missense variant. On other transcripts: 5 prime UTR variant (1).
Genome position (GRCh38, 1-based): chr16:2,047,745, C>G on the plus strand (G>C on the coding strand, the complement: NTHL1 is on the minus strand). VCF-style: chr16-2047745-C-G. GRCh37 (hg19) VCF-style: chr16-2097746-C-G.
Other names: c.79G>C, p.Glu27Gln (NM_001318193.2); c.-100G>C (NM_001318194.2); c.103G>C (NM_002528.5); short protein forms E27Q.
Identifiers: ClinVar variation 1001053 (VCV001001053.9), dbSNP rs2084517936, ClinGen allele CA394298345.